The following is an entry in ClinVar:

ClinVar aggregate classification (germline): Likely benign (1 of 4 stars; one submission).

Conditions:
Hypophosphatemic nephrolithiasis/osteoporosis 1. Identifiers: Orphanet 244305, MedGen C2676786, MONDO:0012850, OMIM 612286.

Allele frequency attached by ClinVar (database versions not stated): TOPMed 0.00001; ExAC 0.00002; gnomAD exomes 0.00002.
gnomAD v4.1: 8 of 1,610,430 alleles (0.0005%); highest among the groups gnomAD compares: African/African-American, 0.004%; no homozygotes.

Submission:

Illumina Laboratory Services, Illumina
Classification: Likely benign for Hypophosphatemic nephrolithiasis/osteoporosis 1. Last evaluated: 2018-01-13. Review status: criteria provided, single submitter. Criteria: ICSL Variant Classification Criteria 13 December 2019. Collection method: clinical testing. Allele origin: germline.
Comment: This variant was observed in the ICSL laboratory as part of a predisposition screen in an ostensibly healthy population. It had not been previously curated by ICSL or reported in the Human Gene Mutation Database (HGMD: prior to June 1st, 2018), and was therefore a candidate for classification through an automated scoring system. Utilizing variant allele frequency, disease prevalence and penetrance estimates, and inheritance mode, an automated score was calculated to assess if this variant is too frequent to cause the disease. Based on the score and internal cut-off values, a variant classified as likely benign is not then subjected to further curation. The score for this variant resulted in a classification of likely benign for this disease.

NM_003052.5(SLC34A1):c.123C>T (p.Ile41=)

Gene: SLC34A1 (solute carrier family 34 member 1; plus strand). Cytogenetic location: 5q35.3.
Variant type: single nucleotide variant.
Coding change: c.123C>T on transcript NM_003052.5 (MANE Select); coding-DNA position 123, C replaced by T.
Protein change: p.Ile41=; no amino-acid change (isoleucine 41 retained).
Molecular consequence: synonymous variant.
Genome position (GRCh38, 1-based): chr5:177,386,000, C>T. VCF-style: chr5-177386000-C-T. GRCh37 (hg19) VCF-style: chr5-176813001-C-T.
Other names: c.123C>T, p.Ile41= (NM_001167579.2).
Identifiers: ClinVar variation 352955 (VCV000352955.5), dbSNP rs759907707, ClinGen allele CA3580268.